The following is an entry in ClinVar:

NM_000191.3(HMGCL):c.866G>A (p.Gly289Asp)

Gene: HMGCL (3-hydroxy-3-methylglutaryl-CoA lyase; minus strand). Cytogenetic location: 1p36.11.
Variant type: single nucleotide variant.
Coding change: c.866G>A on transcript NM_000191.3 (MANE Select); coding-DNA position 866, G replaced by A.
Protein change: p.Gly289Asp; replaces glycine 289 with aspartic acid.
Molecular consequence: missense variant.
Genome position (GRCh38, 1-based): chr1:23,804,410, C>T on the plus strand (G>A on the coding strand, the complement: HMGCL is on the minus strand). VCF-style: chr1-23804410-C-T. GRCh37 (hg19) VCF-style: chr1-24130900-C-T.
Other names: c.653G>A, p.Gly218Asp (NM_001166059.2); short protein forms G218D, G289D.
Identifiers: ClinVar variation 2725735 (VCV002725735.3), dbSNP rs755329065, ClinGen allele CA339020845.

ClinVar aggregate classification (germline): Uncertain significance (1 of 4 stars; one submission).

Conditions:
Deficiency of hydroxymethylglutaryl-CoA lyase (HMGCLD). Also called: HMG-CoA LYASE DEFICIENCY; Defect in leucine metabolism; 3-hydroxy-3-methylglutaric aciduria; HMGCL DEFICIENCY; HYDROXYMETHYLGLUTARIC ACIDURIA. Identifiers: Orphanet 20, MedGen C1533587, MONDO:0009520, OMIM 246450.

Allele frequency attached by ClinVar (database versions not stated): gnomAD 0.00001.
gnomAD v4.1: 1 of 1,614,098 alleles (0.000062%); highest among the groups gnomAD compares: Admixed American, 0.0017%; no homozygotes.

Submission:

Labcorp Genetics (formerly Invitae), Labcorp
Classification: Uncertain significance for Deficiency of hydroxymethylglutaryl-CoA lyase. Last evaluated: 2023-07-12. Review status: criteria provided, single submitter. Criteria: Invitae Variant Classification Sherloc (09022015). Collection method: clinical testing. Allele origin: germline.
Comment: In summary, the available evidence is currently insufficient to determine the role of this variant in disease. Therefore, it has been classified as a Variant of Uncertain Significance. Advanced modeling of protein sequence and biophysical properties (such as structural, functional, and spatial information, amino acid conservation, physicochemical variation, residue mobility, and thermodynamic stability) performed at Invitae indicates that this missense variant is not expected to disrupt HMGCL protein function. This variant has not been reported in the literature in individuals affected with HMGCL-related conditions. This variant is present in population databases (no rsID available, gnomAD 0.1%). This sequence change replaces glycine, which is neutral and non-polar, with aspartic acid, which is acidic and polar, at codon 289 of the HMGCL protein (p.Gly289Asp).